The following is an entry in ClinVar:

NM_012123.4(MTO1):c.49A>C (p.Lys17Gln)

Gene: MTO1 (mitochondrial tRNA translation optimization 1; plus strand). Cytogenetic location: 6q13.
Variant type: single nucleotide variant.
Coding change: c.49A>C on transcript NM_012123.4 (MANE Select); coding-DNA position 49, A replaced by C.
Protein change: p.Lys17Gln; replaces lysine 17 with glutamine.
Molecular consequence: missense variant.
Genome position (GRCh38, 1-based): chr6:73,461,903, A>C. VCF-style: chr6-73461903-A-C. GRCh37 (hg19) VCF-style: chr6-74171626-A-C.
Other names: c.49A>C, p.Lys17Gln (NM_001123226.2, NM_133645.3); short protein forms K17Q.
Identifiers: ClinVar variation 2151965 (VCV002151965.4), dbSNP rs145625396, ClinGen allele CA364711790.

ClinVar aggregate classification (germline): Uncertain significance (1 of 4 stars; one submission).

Conditions:
Mitochondrial hypertrophic cardiomyopathy with lactic acidosis due to MTO1 deficiency. Also called: CARDIOMYOPATHY, INFANTILE HYPERTROPHIC MITOCHONDRIAL, AND LACTIC ACIDOSIS; Combined oxidative phosphorylation deficiency 10. Identifiers: Orphanet 314637, MedGen C4749921, MONDO:0013865, OMIM 614702.

gnomAD v4.1: 1 of 1,614,162 alleles (0.000062%); highest among the groups gnomAD compares: Admixed American, 0.0017%; no homozygotes.

Submission:

Labcorp Genetics (formerly Invitae), Labcorp
Classification: Uncertain significance for Mitochondrial hypertrophic cardiomyopathy with lactic acidosis due to MTO1 deficiency. Last evaluated: 2023-08-04. Review status: criteria provided, single submitter. Criteria: Invitae Variant Classification Sherloc (09022015). Collection method: clinical testing. Allele origin: germline.
Comment: Advanced modeling of protein sequence and biophysical properties (such as structural, functional, and spatial information, amino acid conservation, physicochemical variation, residue mobility, and thermodynamic stability) has been performed at Invitae for this missense variant, however the output from this modeling did not meet the statistical confidence thresholds required to predict the impact of this variant on MTO1 protein function. In summary, the available evidence is currently insufficient to determine the role of this variant in disease. Therefore, it has been classified as a Variant of Uncertain Significance. ClinVar contains an entry for this variant (Variation ID: 2151965). This sequence change replaces lysine, which is basic and polar, with glutamine, which is neutral and polar, at codon 17 of the MTO1 protein (p.Lys17Gln). This variant is not present in population databases (gnomAD no frequency). This variant has not been reported in the literature in individuals affected with MTO1-related conditions.